The following is an entry in ClinVar:

ClinVar aggregate classification (germline): Conflicting classifications of pathogenicity. Review status: criteria provided, conflicting classifications (1 of 4 stars). 4 submissions from 4 submitters: Uncertain significance (1); Benign (1); Likely benign (2). Last evaluated 2025-10-13.

Conditions:
Myoclonic epilepsy, juvenile, susceptibility to, 1. Also called: Myoclonic Epilepsy, Juvenile, 1; EJM1. Identifiers: MedGen C1850778, MONDO:0020752, OMIM 254770.
Absence seizure. Also called: Absence epilepsy. Identifiers: Orphanet 1941, MedGen C0014553.

Allele frequency attached by ClinVar (database versions not stated): 1000 Genomes Project 0.00020; 1000 Genomes Project 30x 0.00031; ExAC 0.00034; ESP Exome Variant Server 0.00038; gnomAD exomes 0.00042 and 0.00063; gnomAD 0.00056 and 0.00059; TOPMed 0.00060.
gnomAD v4.1: 1,037 of 1,613,892 alleles (0.064%); highest among the groups gnomAD compares: Admixed American, 0.078%; 1 homozygote.

Submissions (4):

Labcorp Genetics (formerly Invitae), Labcorp
Classification: Likely benign for Myoclonic epilepsy, juvenile, susceptibility to, 1; Absence seizure. Last evaluated: 2025-10-13. Review status: criteria provided, single submitter. Criteria: Invitae Variant Classification Sherloc (09022015). Collection method: clinical testing. Allele origin: germline.

Blueprint Genetics
Classification: Likely benign. Last evaluated: 2024-10-24. Review status: criteria provided, single submitter. Criteria: ACMG Guidelines, 2015. Collection method: clinical testing. Allele origin: germline.

Genetic Services Laboratory, University of Chicago
Classification: Uncertain significance. Last evaluated: 2013-11-26. Review status: criteria provided, single submitter. Criteria: ACMG Guidelines, 2007. Collection method: clinical testing. Allele origin: germline.

GeneDx
Classification: Benign. Last evaluated: 2013-09-19. Review status: criteria provided, single submitter. Criteria: GeneDx Variant Classification (06012015). Collection method: clinical testing. Allele origin: germline. Affected: yes.
Comment: This variant is considered likely benign or benign based on one or more of the following criteria: it is a conservative change, it occurs at a poorly conserved position in the protein, it is predicted to be benign by multiple in silico algorithms, and/or has population frequency not consistent with disease.

NM_018100.4(EFHC1):c.90G>A (p.Thr30=)

Gene: EFHC1 (EF-hand domain containing 1; plus strand). Cytogenetic location: 6p12.2.
Variant type: single nucleotide variant.
Coding change: c.90G>A on transcript NM_018100.4 (MANE Select); coding-DNA position 90, G replaced by A.
Protein change: p.Thr30=; no amino-acid change (threonine 30 retained).
Molecular consequence: synonymous variant. On other transcripts: non-coding transcript variant (1).
Genome position (GRCh38, 1-based): chr6:52,423,972, G>A. VCF-style: chr6-52423972-G-A. GRCh37 (hg19) VCF-style: chr6-52288770-G-A.
Other names: p.T30T:ACG>ACA; c.33G>A, p.Thr11= (NM_001172420.2).
Identifiers: ClinVar variation 128971 (VCV000128971.20), dbSNP rs140429638, ClinGen allele CA231081.
Genomic context (GRCh38, chr6:52,423,972, plus strand): 5'-AATGTTATTAATGACACATTCTTTTCTTCTTCAGAAAACAGCCTTCCACAGAAGTCAGAC[G>A]CTGAGCTACAGGAACGGCTATGCAATTGTTCGACGTCCAACAGTTGGGATAGGCGGAGAC-3'
Protein context (NP_060570.2, residues 20-40): STKTAFHRSQ[Thr30=]LSYRNGYAIV